The following is an entry in ClinVar:

NM_000059.4(BRCA2):c.7032dup (p.Gln2345fs)

Gene: BRCA2 (BRCA2 DNA repair associated; plus strand). Cytogenetic location: 13q13.1.
Variant type: Duplication.
Coding change: c.7032dup on transcript NM_000059.4 (MANE Select); coding-DNA position 7032, one base duplicated (A; older notation c.7032dupA).
Protein change: p.Gln2345fs; shifts the reading frame from glutamine 2345.
Molecular consequence: frameshift variant.
Genome position (GRCh38, 1-based): chr13:32,354,885, A duplicated. VCF-style (leftmost placement, unchanged base first): chr13-32354884-T-TA. GRCh37 (hg19) VCF-style: chr13-32929021-T-TA.
Other names: 7260insA; c.7032dupA (NM_000059.3); short protein forms Q2345fs.
Identifiers: ClinVar variation 52253 (VCV000052253.10), dbSNP rs80359635, ClinGen allele CA024776.
Genomic context (GRCh38, chr13:32,354,884, plus strand): 5'-CTAGTCAATAAACTTATATATTTTCTCCCCATTGCAGCACAACTAAGGAACGTCAAGAGA[T>TA]ACAGAATCCAAATTTTACCGCACCTGGTCAAGAATTTCTGTCTAAATCTCATTTGTATGA-3'

ClinVar aggregate classification (germline): Pathogenic. Review status: reviewed by expert panel (3 of 4 stars). 4 submissions from 4 submitters: Pathogenic (1). 3 of the submissions do not count toward it. Last evaluated 2016-09-08.

Conditions:
Hereditary breast ovarian cancer syndrome. Also called: Hereditary breast and ovarian cancer syndrome; Hereditary breast and ovarian cancer; Hereditary breast and ovarian cancer syndrome (HBOC); Breast and ovarian cancer; Hereditary breast and/or ovarian cancer syndrome; BRCA1- and BRCA2-Associated Hereditary Breast and Ovarian Cancer. Identifiers: Orphanet 145, MedGen C0677776, MeSH D061325, MONDO:0003582. Disease mechanism: loss of function.
Breast-ovarian cancer, familial, susceptibility to, 2 (BROVCA2). Also called: BRCA2 Hereditary Breast and Ovarian Cancer. Identifiers: Orphanet 145, MedGen C2675520, MONDO:0012933, OMIM 612555. Disease mechanism: loss of function.

Submissions (4):

Evidence-based Network for the Interpretation of Germline Mutant Alleles (ENIGMA)
Classification: Pathogenic for Breast-ovarian cancer, familial, susceptibility to, 2. Last evaluated: 2016-09-08. Review status: reviewed by expert panel. Criteria: ENIGMA BRCA1/2 Classification Criteria (2015). Collection method: curation. Allele origin: germline.
Comment: Variant allele predicted to encode a truncated non-functional protein.

Labcorp Genetics (formerly Invitae), Labcorp
Classification: Pathogenic for Hereditary breast ovarian cancer syndrome. Last evaluated: 2022-03-07. Review status: criteria provided, single submitter. Criteria: Invitae Variant Classification Sherloc (09022015). Collection method: clinical testing. Allele origin: germline. Not counted in ClinVar's aggregate classification.
Comment: ClinVar contains an entry for this variant (Variation ID: 52253). For these reasons, this variant has been classified as Pathogenic. This variant is also known as 7260insA. This sequence change creates a premature translational stop signal (p.Gln2345Thrfs*15) in the BRCA2 gene. It is expected to result in an absent or disrupted protein product. Loss-of-function variants in BRCA2 are known to be pathogenic (PMID: 20104584). This variant is not present in population databases (gnomAD no frequency). This premature translational stop signal has been observed in individual(s) with breast cancer (PMID: 11836363).

Consortium of Investigators of Modifiers of BRCA1/2 (CIMBA), c/o University of Cambridge
Classification: Pathogenic for Breast-ovarian cancer, familial, susceptibility to, 2. Last evaluated: 2015-10-02. Review status: criteria provided, single submitter. Criteria: CIMBA Mutation Classification guidelines May 2016. Collection method: clinical testing. Allele origin: germline. Not counted in ClinVar's aggregate classification.

Breast Cancer Information Core (BIC) (BRCA2)
Classification: Pathogenic for Breast-ovarian cancer, familial 2. Review status: no assertion criteria provided. Collection method: clinical testing. Allele origin: germline. Affected: yes. Observed: 1 variant allele. Not counted in ClinVar's aggregate classification.

Literature cited by the submitters: PubMed 20104584 (cited by Labcorp Genetics (formerly Invitae), Labcorp); PubMed 11836363 (cited by Labcorp Genetics (formerly Invitae), Labcorp).